The following is an entry in ClinVar:

ClinVar aggregate classification (germline): Uncertain significance (1 of 4 stars; one submission).

Conditions:
Landau-Kleffner syndrome (FESD). Also called: APHASIA, ACQUIRED, WITH EPILEPSY; EPILEPSY, FOCAL, WITH SPEECH DISORDER AND WITH OR WITHOUT MENTAL RETARDATION. Identifiers: Orphanet 1945, Orphanet 725, Orphanet 98818, MedGen C0282512, MONDO:0009509, OMIM 245570.

Submission:

Labcorp Genetics (formerly Invitae), Labcorp
Classification: Uncertain significance for Landau-Kleffner syndrome. Last evaluated: 2022-01-02. Review status: criteria provided, single submitter. Criteria: Invitae Variant Classification Sherloc (09022015). Collection method: clinical testing. Allele origin: germline.
Comment: In summary, the available evidence is currently insufficient to determine the role of this variant in disease. Therefore, it has been classified as a Variant of Uncertain Significance. Algorithms developed to predict the effect of sequence changes on RNA splicing suggest that this variant may create or strengthen a splice site. Advanced modeling of protein sequence and biophysical properties (such as structural, functional, and spatial information, amino acid conservation, physicochemical variation, residue mobility, and thermodynamic stability) performed at Invitae indicates that this missense variant is expected to disrupt GRIN2A protein function. This variant has not been reported in the literature in individuals affected with GRIN2A-related conditions. This variant is not present in population databases (gnomAD no frequency). This sequence change replaces asparagine, which is neutral and polar, with serine, which is neutral and polar, at codon 515 of the GRIN2A protein (p.Asn515Ser).

NM_001134407.3(GRIN2A):c.1544A>G (p.Asn515Ser)

Gene: GRIN2A (glutamate ionotropic receptor NMDA type subunit 2A; minus strand). Cytogenetic location: 16p13.2.
Variant type: single nucleotide variant.
Coding change: c.1544A>G on transcript NM_001134407.3 (MANE Select); coding-DNA position 1544, A replaced by G.
Protein change: p.Asn515Ser; replaces asparagine 515 with serine.
Molecular consequence: missense variant.
Genome position (GRCh38, 1-based): chr16:9,840,754, T>C on the plus strand (A>G on the coding strand, the complement: GRIN2A is on the minus strand). VCF-style: chr16-9840754-T-C. GRCh37 (hg19) VCF-style: chr16-9934611-T-C.
Other names: c.1544A>G, p.Asn515Ser (NM_000833.5, NM_001134408.2); short protein forms N515S.
Identifiers: ClinVar variation 1377824 (VCV001377824.8), dbSNP rs2141343041, ClinGen allele CA394800406.